The following is an entry in ClinVar:

ClinVar aggregate classification (germline): Pathogenic/Likely pathogenic. Review status: criteria provided, multiple submitters, no conflicts (2 of 4 stars). 4 submissions from 4 submitters: Pathogenic (2); Likely pathogenic (1). 1 of the submissions does not count toward it. Last evaluated 2025-01-07.

Conditions:
Cone dystrophy with supernormal rod response (CDSRR). Also called: CONE DYSTROPHY WITH SUPERNORMAL ROD RESPONSES. Identifiers: Orphanet 209932, MedGen C1835897, MONDO:0012475, OMIM 610356.
KCNV2-related disorder. Also called: KCNV2-related condition.

Submissions (4):

PreventionGenetics, part of Exact Sciences
Classification: Pathogenic for KCNV2-related condition. Last evaluated: 2025-01-07. Review status: criteria provided, single submitter. Criteria: ACMG Guidelines, 2015. Collection method: clinical testing. Allele origin: germline.
Comment: The KCNV2 c.1199delT variant is predicted to result in a frameshift and premature protein termination (p.Phe400Serfs*54). This variant was reported in the compound heterozygous state in at least 2 patients with inherited retinal disease (Sergouniotis et al. 2012. PubMed ID: 21558291; Lin et al. 2024. PubMed ID: 38219857). This variant is reported in 0.0062% of alleles in individuals of African descent in gnomAD. Frameshift variants in KCNV2 are expected to be pathogenic. This variant is interpreted as pathogenic.

Labcorp Genetics (formerly Invitae), Labcorp
Classification: Pathogenic. Last evaluated: 2023-03-11. Review status: criteria provided, single submitter. Criteria: Invitae Variant Classification Sherloc (09022015). Collection method: clinical testing. Allele origin: germline.
Comment: For these reasons, this variant has been classified as Pathogenic. This variant disrupts a region of the KCNV2 protein in which other variant(s) (p.Leu469Trpfs*35) have been determined to be pathogenic (PMID: 18400204). This suggests that this is a clinically significant region of the protein, and that variants that disrupt it are likely to be disease-causing. ClinVar contains an entry for this variant (Variation ID: 1184555). This premature translational stop signal has been observed in individual(s) with KCNV2-related conditions (PMID: 21558291). This variant is present in population databases (rs768486552, gnomAD 0.007%). This sequence change creates a premature translational stop signal (p.Phe400Serfs*54) in the KCNV2 gene. While this is not anticipated to result in nonsense mediated decay, it is expected to disrupt the last 146 amino acid(s) of the KCNV2 protein.

Blueprint Genetics
Classification: Likely pathogenic for KCNV2-related disorders. Last evaluated: 2019-09-20. Review status: criteria provided, single submitter. Criteria: ACMG Guidelines, 2015. Collection method: clinical testing. Allele origin: germline. Affected: yes. Observed: 1 variant allele.

Genomics England Pilot Project, Genomics England
Classification: Likely pathogenic for Cone dystrophy with supernormal rod response. Review status: no assertion criteria provided. Criteria: ACGS Guidelines, 2016. Collection method: clinical testing. Allele origin: germline. Affected: yes. Not counted in ClinVar's aggregate classification.

Literature cited by the submitters: PubMed 18400204 (cited by Labcorp Genetics (formerly Invitae), Labcorp); PubMed 21558291 (cited by Labcorp Genetics (formerly Invitae), Labcorp).

NM_133497.4(KCNV2):c.1199del (p.Phe400fs)

Gene: KCNV2 (potassium voltage-gated channel modifier subfamily V member 2; plus strand). Cytogenetic location: 9p24.2.
Variant type: Deletion.
Coding change: c.1199del on transcript NM_133497.4 (MANE Select); coding-DNA position 1199, one base deleted (T; older notation c.1199delT).
Protein change: p.Phe400fs; shifts the reading frame from phenylalanine 400.
Molecular consequence: frameshift variant.
Genome position (GRCh38, 1-based): chr9:2,718,938, T deleted; the last of 2 consecutive T bases (chr9:2,718,937-2,718,938); deleting either gives the same sequence. VCF-style (leftmost placement, unchanged base first): chr9-2718936-CT-C. GRCh37 (hg19) VCF-style: chr9-2718936-CT-C.
Other names: c.1199delT (NM_133497.3); short protein forms F400fs.
Identifiers: ClinVar variation 1184555 (VCV001184555.7), dbSNP rs768486552, ClinGen allele CA4965819.
Genomic context (GRCh38, chr9:2,718,936, plus strand): 5'-GCGCCTCATGCGCATCTTCCGCATCCTCAAGCTGGCGCGCCACTCCACCGGACTGCGTGC[CT>C]TCGGCTTCACGCTGCGCCAGTGCTACCAGCAGGTGGGCTGCCTGCTGCTCTTCATCGCCA-3'